The following is an entry in ClinVar:

ClinVar aggregate classification (germline): Pathogenic (1 of 4 stars; one submission).

Submission:

Quest Diagnostics Nichols Institute San Juan Capistrano
Classification: Pathogenic. Last evaluated: 2022-06-28. Review status: criteria provided, single submitter. Criteria: ACMG/ClinGen CNV Guidelines, 2019. Collection method: clinical testing. Allele origin: unknown.
Comment: The copy number loss of 8p23.3p23.1 involves numerous protein-coding genes, five of which are associated with phenotypes in OMIM. Smaller copy number losses, fully contained within the current interval, have been identified in individuals with developmental delay, intellectual disability, neurobehavioral disorders, and/or craniofacial abnormalities (Burnside 2013, Shi 2017). Additionally, larger, overlapping deletions extending proximal to the current interval have been associated with the recurrent 8p23.1 deletion syndrome. 8p23.1 deletion syndrome is characterized by developmental impairments, intellectual disability, microcephaly, congenital heart disease, diaphragmatic hernia, hypospadias, and behavioral abnormalities (Ballarati 2011, Priest 2016, Shimokawa 2005). Of note, GATA4 (OMIM 600576) and NEIL2 (OMIM 608933), genes which are the candidate genes for cardiac defects and congenital diaphragmatic hernia, are not within the present interval (Keitges 2013). While hemizygous deletions of this specific interval have not yet been associated with a clinical phenotype, there are no similar copy number losses of this region in the general populations of the Database of Genomic Variants. Thus, based on current medical literature and gene content, this copy number variant (CNV) is classified as pathogenic. References: Ballarati et al., Eur J Med Genet. Jan-Feb 2011;54(1):55-9. PMID: 20969981 Burnside et al., Am J Med Genet A. 2013 Apr;161A(4):822-8. PMID: 23495222 Keitges et al., Am J Med Genet A. 2013 Jul;161A(7):1755-8. PMID: 23696316 Priest et al., PLoS Genet. 2016 Apr 8;12(4):e1005963. PMID: 27058611 Shi et al., Mol Med Rep. 2017 Nov;16(5):6837-6845. PMID: 28901431 Shimokawa et al., Am J Med Genet A. 2005 Jul 1;136(1):49-51. PMID: 15937941

GRCh37/hg19 8p23.3-23.1(chr8:158049-10965627)x1

Genes: AGPAT5 (1-acylglycerol-3-phosphate O-acyltransferase 5; plus strand), ANGPT2 (angiopoietin 2; minus strand), ARHGEF10 (Rho guanine nucleotide exchange factor 10; plus strand), C8orf74 (chromosome 8 open reading frame 74), CLDN23 (claudin 23) and 50 more. Cytogenetic location: 8p23.3-23.1.
Variant type: copy number loss.
Change: copy number 1 (one copy instead of two) of chr8:158,049-10,965,627 (10.81 Mb, GRCh37 coordinates, 1-based), cytogenetic band 8p23.3-23.1.
Identifiers: ClinVar variation 1808721 (VCV001808721.1).